The following is an entry in ClinVar:

NM_213569.2(NEBL):c.164+80C>T

Gene: NEBL (nebulette; minus strand). Cytogenetic location: 10p12.31.
Variant type: single nucleotide variant.
Coding change: c.164+80C>T on transcript NM_213569.2; 80 bases into the intron after coding-DNA position 164, C replaced by T.
Molecular consequence: intron variant.
Genome position (GRCh38, 1-based): chr10:21,172,303, G>A on the plus strand (C>T on the coding strand, the complement: NEBL is on the minus strand). VCF-style: chr10-21172303-G-A. GRCh37 (hg19) VCF-style: chr10-21461232-G-A.
Other names: c.56+80C>T (NM_001377326.1, NM_001377327.1, NM_001377328.1); c.164+80C>T (NM_001173484.2, NM_001377322.1); c.107+80C>T (NM_001377324.1); c.98+80C>T (NM_001377325.1); c.116+80C>T (NM_001377323.1).
Identifiers: ClinVar variation 674346 (VCV000674346.4), dbSNP rs35856892, ClinGen allele CA13351189.

ClinVar aggregate classification (germline): Benign. Review status: criteria provided, multiple submitters, no conflicts (2 of 4 stars). 2 submissions from 2 submitters: Benign (2). Last evaluated 2018-06-16.

Allele frequency attached by ClinVar (database versions not stated): 1000 Genomes Project 0.23023; gnomAD 0.18049 and 0.17625; TOPMed 0.17358; 1000 Genomes Project 30x 0.22689.
gnomAD v4.1: 191,716 of 1,111,188 alleles (17%); highest among the groups gnomAD compares: East Asian, 35%; 18,246 homozygotes.

Submissions (2):

GeneDx
Classification: Benign. Last evaluated: 2018-06-16. Review status: criteria provided, single submitter. Criteria: GeneDx Variant Classification (06012015). Collection method: clinical testing. Allele origin: germline. Affected: yes.
Comment: This variant is considered likely benign or benign based on one or more of the following criteria: it is a conservative change, it occurs at a poorly conserved position in the protein, it is predicted to be benign by multiple in silico algorithms, and/or has population frequency not consistent with disease.

Breakthrough Genomics
Classification: Benign. Review status: criteria provided, single submitter. Criteria: ACMG Guidelines, 2015. Collection method: not provided. Allele origin: germline. Inheritance: Unknown mechanism. Affected: yes.